The following is an entry in ClinVar:

NM_001134363.3(RBM20):c.1421G>C (p.Gly474Ala)

Gene: RBM20 (RNA binding motif protein 20; plus strand). Cytogenetic location: 10q25.2.
Variant type: single nucleotide variant.
Coding change: c.1421G>C on transcript NM_001134363.3 (MANE Select); coding-DNA position 1421, G replaced by C.
Protein change: p.Gly474Ala; replaces glycine 474 with alanine.
Molecular consequence: missense variant.
Genome position (GRCh38, 1-based): chr10:110,784,424, G>C. VCF-style: chr10-110784424-G-C. GRCh37 (hg19) VCF-style: chr10-112544182-G-C.
Other names: short protein forms G474A.
Identifiers: ClinVar variation 3943627 (VCV003943627.1).

ClinVar aggregate classification (germline): Uncertain significance (1 of 4 stars; one submission).

Conditions:
Cardiovascular phenotype. Identifiers: MedGen CN230736.

gnomAD v4.1: 1 of 1,551,066 alleles (0.000064%); highest among the groups gnomAD compares: Non-Finnish European, 0.000087%; no homozygotes.

Submission:

Ambry Genetics
Classification: Uncertain significance for Cardiovascular phenotype. Last evaluated: 2025-05-03. Review status: criteria provided, single submitter. Criteria: Ambry Variant Classification Scheme 2023. Collection method: clinical testing. Allele origin: germline.
Comment: The p.G474A variant (also known as c.1421G>C), located in coding exon 4 of the RBM20 gene, results from a G to C substitution at nucleotide position 1421. The glycine at codon 474 is replaced by alanine, an amino acid with similar properties. This amino acid position is conserved. In addition, the in silico prediction for this alteration is inconclusive. Based on the available evidence, the clinical significance of this variant remains unclear.